The following is an entry in ClinVar:

ClinVar aggregate classification (germline): Pathogenic (1 of 4 stars; one submission).

Conditions:
RASopathy. Also called: Noonan spectrum disorder; rasopathies. Identifiers: Orphanet 536391, MedGen C5555857, MONDO:0021060.

Submission:

Labcorp Genetics (formerly Invitae), Labcorp
Classification: Pathogenic for RASopathy. Last evaluated: 2024-06-11. Review status: criteria provided, single submitter. Criteria: Invitae Variant Classification Sherloc (09022015). Collection method: clinical testing. Allele origin: germline.
Comment: This sequence change creates a premature translational stop signal (p.Asp296Valfs*43) in the PTPN11 gene. It is expected to result in an absent or disrupted protein product. Loss-of-function variants in PTPN11 are known to be pathogenic (PMID: 20577567, 21533187). This variant is not present in population databases (gnomAD no frequency). This variant has not been reported in the literature in individuals affected with PTPN11-related conditions. For these reasons, this variant has been classified as Pathogenic.

Literature cited by the submitters: PubMed 20577567; PubMed 21533187.

NM_002834.5(PTPN11):c.887del (p.Asp296fs)

Gene: PTPN11 (protein tyrosine phosphatase non-receptor type 11; plus strand). Cytogenetic location: 12q24.13.
Variant type: Deletion.
Coding change: c.887del on transcript NM_002834.5 (MANE Select); coding-DNA position 887, one base deleted (A; older notation c.887delA).
Protein change: p.Asp296fs; shifts the reading frame from aspartic acid 296.
Molecular consequence: frameshift variant.
Genome position (GRCh38, 1-based): chr12:112,477,684, A deleted. VCF-style (leftmost placement, unchanged base first): chr12-112477683-GA-G. GRCh37 (hg19) VCF-style: chr12-112915487-GA-G.
Other names: c.887del, p.Asp296fs (NM_001330437.2, NM_080601.3); c.884del, p.Asp295fs (NM_001374625.1); short protein forms D295fs, D296fs.
Identifiers: ClinVar variation 3646790 (VCV003646790.2).